The following is an entry in ClinVar:

NM_000051.4(ATM):c.5745C>A (p.Tyr1915Ter)

Gene: ATM (ATM serine/threonine kinase; plus strand). Cytogenetic location: 11q22.3.
Variant type: single nucleotide variant.
Coding change: c.5745C>A on transcript NM_000051.4 (MANE Select); coding-DNA position 5745, C replaced by A.
Protein change: p.Tyr1915Ter; replaces tyrosine 1915 with a stop codon.
Molecular consequence: nonsense.
Genome position (GRCh38, 1-based): chr11:108,307,967, C>A. VCF-style: chr11-108307967-C-A. GRCh37 (hg19) VCF-style: chr11-108178694-C-A.
Other names: c.5745C>A, p.Tyr1915Ter (NM_001351834.2); short protein forms Y1915*.
Identifiers: ClinVar variation 2763864 (VCV002763864.3), dbSNP rs2135977760, ClinGen allele CA382547988.

ClinVar aggregate classification (germline): Pathogenic (1 of 4 stars; one submission).

Conditions:
Ataxia-telangiectasia syndrome (AT). Also called: Ataxia-telangiectasia, complementation group D; LOUIS-BAR SYNDROME; ATAXIA-TELANGIECTASIA, COMPLEMENTATION GROUP A; ATAXIA-TELANGIECTASIA, FRESNO VARIANT; Ataxia telangiectasia (A-T); Cerebello-oculocutaneous telangiectasia. Identifiers: Orphanet 100, MedGen C0004135, MONDO:0008840, OMIM 208900.

Submission:

Labcorp Genetics (formerly Invitae), Labcorp
Classification: Pathogenic for Ataxia-telangiectasia syndrome. Last evaluated: 2023-09-27. Review status: criteria provided, single submitter. Criteria: Invitae Variant Classification Sherloc (09022015). Collection method: clinical testing. Allele origin: germline.
Comment: For these reasons, this variant has been classified as Pathogenic. This variant has not been reported in the literature in individuals affected with ATM-related conditions. This variant is not present in population databases (gnomAD no frequency). This sequence change creates a premature translational stop signal (p.Tyr1915*) in the ATM gene. It is expected to result in an absent or disrupted protein product. Loss-of-function variants in ATM are known to be pathogenic (PMID: 23807571, 25614872).

Literature cited by the submitters: PubMed 23807571; PubMed 25614872.